The following is an entry in ClinVar:

ClinVar aggregate classification (germline): Uncertain significance. Review status: criteria provided, multiple submitters, no conflicts (2 of 4 stars). 3 submissions from 3 submitters: Uncertain significance (3). Last evaluated 2024-07-15.

Conditions:
Retinitis pigmentosa (RP). Identifiers: Orphanet 791, MedGen C0035334, MeSH D012174, MONDO:0019200, OMIM 268000. Inheritance: Autosomal dominant, autosomal recessive and X linked inheritance.

Allele frequency attached by ClinVar (database versions not stated): gnomAD 0.00002; TOPMed 0.00003; ExAC 0.00004; gnomAD exomes 0.00004 and 0.00005; ESP Exome Variant Server 0.00016.
gnomAD v4.1: 77 of 1,613,834 alleles (0.0048%); highest among the groups gnomAD compares: South Asian, 0.0088%; no homozygotes.

Submissions (3):

Blueprint Genetics
Classification: Uncertain significance. Last evaluated: 2024-07-15. Review status: criteria provided, single submitter. Criteria: ACMG Guidelines, 2015. Collection method: clinical testing. Allele origin: germline.

Labcorp Genetics (formerly Invitae), Labcorp
Classification: Uncertain significance. Last evaluated: 2022-04-18. Review status: criteria provided, single submitter. Criteria: Invitae Variant Classification Sherloc (09022015). Collection method: clinical testing. Allele origin: germline.
Comment: This sequence change replaces alanine, which is neutral and non-polar, with threonine, which is neutral and polar, at codon 753 of the PCARE protein (p.Ala753Thr). This variant is present in population databases (rs371979312, gnomAD 0.006%). This variant has not been reported in the literature in individuals affected with PCARE-related conditions. ClinVar contains an entry for this variant (Variation ID: 335650). Algorithms developed to predict the effect of missense changes on protein structure and function (SIFT, PolyPhen-2, Align-GVGD) all suggest that this variant is likely to be tolerated. In summary, the available evidence is currently insufficient to determine the role of this variant in disease. Therefore, it has been classified as a Variant of Uncertain Significance.

Illumina Laboratory Services, Illumina
Classification: Uncertain significance for Retinitis pigmentosa. Last evaluated: 2018-01-13. Review status: criteria provided, single submitter. Criteria: ICSL Variant Classification Criteria 13 December 2019. Collection method: clinical testing. Allele origin: germline.

NM_001029883.3(PCARE):c.2257G>A (p.Ala753Thr)

Gene: PCARE (photoreceptor cilium actin regulator; minus strand). Cytogenetic location: 2p23.2.
Variant type: single nucleotide variant.
Coding change: c.2257G>A on transcript NM_001029883.3 (MANE Select); coding-DNA position 2257, G replaced by A.
Protein change: p.Ala753Thr; replaces alanine 753 with threonine.
Molecular consequence: missense variant.
Genome position (GRCh38, 1-based): chr2:29,072,005, C>T on the plus strand (G>A on the coding strand, the complement: PCARE is on the minus strand). VCF-style: chr2-29072005-C-T. GRCh37 (hg19) VCF-style: chr2-29294871-C-T.
Other names: short protein forms A753T.
Identifiers: ClinVar variation 335650 (VCV000335650.12), dbSNP rs371979312, ClinGen allele CA1592249.